The following is an entry in ClinVar:

NM_001077653.2(TBX20):c.860G>A (p.Arg287Gln)

Gene: TBX20 (T-box transcription factor 20; minus strand). Cytogenetic location: 7p14.2.
Variant type: single nucleotide variant.
Coding change: c.860G>A on transcript NM_001077653.2 (MANE Select); coding-DNA position 860, G replaced by A.
Protein change: p.Arg287Gln; replaces arginine 287 with glutamine.
Molecular consequence: missense variant.
Genome position (GRCh38, 1-based): chr7:35,231,534, C>T on the plus strand (G>A on the coding strand, the complement: TBX20 is on the minus strand). VCF-style: chr7-35231534-C-T. GRCh37 (hg19) VCF-style: chr7-35271146-C-T.
Other names: c.860G>A, p.Arg287Gln (NM_001166220.1); short protein forms R287Q.
Identifiers: ClinVar variation 2977715 (VCV002977715.6), dbSNP rs1288985415, ClinGen allele CA367263758.

ClinVar aggregate classification (germline): Uncertain significance. Review status: criteria provided, multiple submitters, no conflicts (2 of 4 stars). 3 submissions from 3 submitters: Uncertain significance (3). Last evaluated 2026-03-09.

Conditions:
Cardiovascular phenotype. Identifiers: MedGen CN230736.

Allele frequency attached by ClinVar (database versions not stated): gnomAD exomes below 0.00001.

Submissions (3):

Ambry Genetics
Classification: Uncertain significance for Cardiovascular phenotype. Last evaluated: 2026-03-09. Review status: criteria provided, single submitter. Criteria: Ambry Variant Classification Scheme 2023. Collection method: clinical testing. Allele origin: germline.
Comment: The p.R287Q variant (also known as c.860G>A), located in coding exon 6 of the TBX20 gene, results from a G to A substitution at nucleotide position 860. The arginine at codon 287 is replaced by glutamine, an amino acid with highly similar properties. This amino acid position is conserved. In addition, this alteration is predicted to be deleterious by in silico analysis. Based on the available evidence, the clinical significance of this variant remains unclear.

Labcorp Genetics (formerly Invitae), Labcorp
Classification: Uncertain significance. Last evaluated: 2026-01-26. Review status: criteria provided, single submitter. Criteria: Invitae Variant Classification Sherloc (09022015). Collection method: clinical testing. Allele origin: germline.
Comment: This sequence change replaces arginine, which is basic and polar, with glutamine, which is neutral and polar, at codon 287 of the TBX20 protein (p.Arg287Gln). This variant is present in population databases (no rsID available, gnomAD 0.007%). This variant has not been reported in the literature in individuals affected with TBX20-related conditions. ClinVar contains an entry for this variant (Variation ID: 2977715). Invitae Evidence Modeling of protein sequence and biophysical properties (such as structural, functional, and spatial information, amino acid conservation, physicochemical variation, residue mobility, and thermodynamic stability) indicates that this missense variant is expected to disrupt TBX20 protein function with a positive predictive value of 80%. In summary, the available evidence is currently insufficient to determine the role of this variant in disease. Therefore, it has been classified as a Variant of Uncertain Significance.

GeneDx
Classification: Uncertain significance. Last evaluated: 2026-01-20. Review status: criteria provided, single submitter. Criteria: GeneDx Variant Classification Process June 2021. Collection method: clinical testing. Allele origin: germline.
Comment: Not observed at significant frequency in large population cohorts (gnomAD); In silico analysis supports that this missense variant has a deleterious effect on protein structure/function; Has not been previously published as pathogenic or benign to our knowledge